The following is an entry in ClinVar:

ClinVar aggregate classification (germline): Uncertain significance. Review status: criteria provided, multiple submitters, no conflicts (2 of 4 stars). 2 submissions from 2 submitters: Uncertain significance (2). Last evaluated 2023-03-07.

Conditions:
Arrhythmogenic right ventricular dysplasia 5. Also called: Arrhythmogenic Right Ventricular Dysplasia/Cardiomyopathy 5; ARRHYTHMOGENIC RIGHT VENTRICULAR DYSPLASIA, FAMILIAL, 5. Identifiers: MedGen C1858379, MONDO:0011459, OMIM 604400.
Cardiovascular phenotype. Identifiers: MedGen CN230736.

Submissions (2):

Labcorp Genetics (formerly Invitae), Labcorp
Classification: Uncertain significance for Arrhythmogenic right ventricular dysplasia 5. Last evaluated: 2023-03-07. Review status: criteria provided, single submitter. Criteria: Invitae Variant Classification Sherloc (09022015). Collection method: clinical testing. Allele origin: germline.
Comment: Advanced modeling of protein sequence and biophysical properties (such as structural, functional, and spatial information, amino acid conservation, physicochemical variation, residue mobility, and thermodynamic stability) performed at Invitae indicates that this missense variant is expected to disrupt TMEM43 protein function. In summary, the available evidence is currently insufficient to determine the role of this variant in disease. Therefore, it has been classified as a Variant of Uncertain Significance. ClinVar contains an entry for this variant (Variation ID: 1744525). This sequence change replaces glycine, which is neutral and non-polar, with valine, which is neutral and non-polar, at codon 166 of the TMEM43 protein (p.Gly166Val). This variant is not present in population databases (gnomAD no frequency). This variant has not been reported in the literature in individuals affected with TMEM43-related conditions.

Ambry Genetics
Classification: Uncertain significance for Cardiovascular phenotype. Last evaluated: 2022-04-29. Review status: criteria provided, single submitter. Criteria: Ambry Variant Classification Scheme 2023. Collection method: clinical testing. Allele origin: germline.
Comment: The p.G166V variant (also known as c.497G>T), located in coding exon 6 of the TMEM43 gene, results from a G to T substitution at nucleotide position 497. The glycine at codon 166 is replaced by valine, an amino acid with dissimilar properties. This amino acid position is conserved. In addition, the in silico prediction for this alteration is inconclusive. Since supporting evidence is limited at this time, the clinical significance of this alteration remains unclear.

NM_024334.3(TMEM43):c.497G>T (p.Gly166Val)

Gene: TMEM43 (transmembrane protein 43; plus strand). Cytogenetic location: 3p25.1.
Variant type: single nucleotide variant.
Coding change: c.497G>T on transcript NM_024334.3 (MANE Select); coding-DNA position 497, G replaced by T.
Protein change: p.Gly166Val; replaces glycine 166 with valine.
Molecular consequence: missense variant.
Genome position (GRCh38, 1-based): chr3:14,132,920, G>T. VCF-style: chr3-14132920-G-T. GRCh37 (hg19) VCF-style: chr3-14174420-G-T.
Other names: c.500G>T, p.Gly167Val (NM_001407274.1); c.497G>T, p.Gly166Val (NM_001407275.1, NM_001407276.1, NM_001407277.1 and 1 more transcripts); c.482G>T, p.Gly161Val (NM_001407278.1); c.347G>T, p.Gly116Val (NM_001407280.1); short protein forms G116V, G166V, G167V, G161V.
Identifiers: ClinVar variation 1744525 (VCV001744525.5), dbSNP rs767516734, ClinGen allele CA351535221.